The following is an entry in ClinVar:

NM_004104.5(FASN):c.2923C>T (p.Pro975Ser)

Gene: FASN (fatty acid synthase; minus strand). Cytogenetic location: 17q25.3.
Variant type: single nucleotide variant.
Coding change: c.2923C>T on transcript NM_004104.5 (MANE Select); coding-DNA position 2923, C replaced by T.
Protein change: p.Pro975Ser; replaces proline 975 with serine.
Molecular consequence: missense variant.
Genome position (GRCh38, 1-based): chr17:82,087,805, G>A on the plus strand (C>T on the coding strand, the complement: FASN is on the minus strand). VCF-style: chr17-82087805-G-A. GRCh37 (hg19) VCF-style: chr17-80045681-G-A.
Other names: short protein forms P975S.
Identifiers: ClinVar variation 1975334 (VCV001975334.5), dbSNP rs763886621, ClinGen allele CA8852580.

ClinVar aggregate classification (germline): Uncertain significance (1 of 4 stars; one submission).

Conditions:
Epileptic encephalopathy. Identifiers: MedGen C0543888, HP:0200134.

Allele frequency attached by ClinVar (database versions not stated): ExAC 0.00001.

Submission:

Labcorp Genetics (formerly Invitae), Labcorp
Classification: Uncertain significance for Epileptic encephalopathy. Last evaluated: 2023-07-10. Review status: criteria provided, single submitter. Criteria: Invitae Variant Classification Sherloc (09022015). Collection method: clinical testing. Allele origin: germline.
Comment: This sequence change replaces proline, which is neutral and non-polar, with serine, which is neutral and polar, at codon 975 of the FASN protein (p.Pro975Ser). This variant is present in population databases (rs763886621, gnomAD 0.003%). In summary, the available evidence is currently insufficient to determine the role of this variant in disease. Therefore, it has been classified as a Variant of Uncertain Significance. An algorithm developed to predict the effect of missense changes on protein structure and function (PolyPhen-2) suggests that this variant is likely to be tolerated. ClinVar contains an entry for this variant (Variation ID: 1975334). This variant has not been reported in the literature in individuals affected with FASN-related conditions.